The following is an entry in ClinVar:

NM_016373.4(WWOX):c.324C>A (p.Asp108Glu)

Gene: WWOX (WW domain containing oxidoreductase; plus strand). Cytogenetic location: 16q23.1.
Variant type: single nucleotide variant.
Coding change: c.324C>A on transcript NM_016373.4 (MANE Select); coding-DNA position 324, C replaced by A.
Protein change: p.Asp108Glu; replaces aspartic acid 108 with glutamic acid.
Molecular consequence: missense variant. On other transcripts: 5 prime UTR variant (1), non-coding transcript variant (1).
Genome position (GRCh38, 1-based): chr16:78,115,069, C>A. VCF-style: chr16-78115069-C-A. GRCh37 (hg19) VCF-style: chr16-78148966-C-A.
Other names: c.-16C>A (NM_001291997.2); c.324C>A, p.Asp108Glu (NM_130791.5); short protein forms D108E.
Identifiers: ClinVar variation 1434510 (VCV001434510.8), dbSNP rs377442022, ClinGen allele CA396842469.
Genomic context (GRCh38, chr16:78,115,069, plus strand): 5'-AAGACTGGCGTTTACTGTGGATGATAATCCGACCAAGCCAACCACCCGGCAAAGATACGA[C>A]GGCAGCACCACTGCCATGGAAATTCTCCAGGGCCGGGATTTCACTGGCAAAGTGGTTGTG-3'
Protein context (NP_057457.1, residues 98-118): PTKPTTRQRY[Asp108Glu]GSTTAMEILQ

ClinVar aggregate classification (germline): Uncertain significance (1 of 4 stars; one submission).

Conditions:
Developmental and epileptic encephalopathy, 1 (DEE1). Also called: X-Linked Infantile Spasm Syndrome; X-linked infantile spasms; West's syndrome; Tonic spasms with clustering, arrest of psychomotor development and hypsarrhythmia on EEG; OHTAHARA SYNDROME, X-LINKED; Epileptic encephalopathy, early infantile, 1. Identifiers: MedGen C3463992, MONDO:0010632, OMIM 308350. Disease mechanism: loss of function.
Autosomal recessive spinocerebellar ataxia 12. Also called: SPINOCEREBELLAR ATAXIA WITH MENTAL RETARDATION AND EPILEPSY. Identifiers: Orphanet 284282, MedGen C3280452, MONDO:0013687, OMIM 614322.

Submission:

Labcorp Genetics (formerly Invitae), Labcorp
Classification: Uncertain significance for Developmental and epileptic encephalopathy, 1; Autosomal recessive spinocerebellar ataxia 12. Last evaluated: 2022-02-05. Review status: criteria provided, single submitter. Criteria: Invitae Variant Classification Sherloc (09022015). Collection method: clinical testing. Allele origin: germline.
Comment: In summary, the available evidence is currently insufficient to determine the role of this variant in disease. Therefore, it has been classified as a Variant of Uncertain Significance. Algorithms developed to predict the effect of missense changes on protein structure and function are either unavailable or do not agree on the potential impact of this missense change (SIFT: "Not Available"; PolyPhen-2: "Probably Damaging"; Align-GVGD: "Not Available"). This variant has not been reported in the literature in individuals affected with WWOX-related conditions. This variant is not present in population databases (gnomAD no frequency). This sequence change replaces aspartic acid, which is acidic and polar, with glutamic acid, which is acidic and polar, at codon 108 of the WWOX protein (p.Asp108Glu).